The following is an entry in ClinVar:

ClinVar aggregate classification (germline): Likely benign (1 of 4 stars; one submission).

Allele frequency attached by ClinVar (database versions not stated): gnomAD exomes below 0.00001.
gnomAD v4.1: 1 of 1,613,806 alleles (0.000062%); highest among the groups gnomAD compares: African/African-American, 0.0013%; no homozygotes.

Submission:

GeneDx
Classification: Likely benign. Last evaluated: 2016-10-25. Review status: criteria provided, single submitter. Criteria: GeneDx Variant Classification (06012015). Collection method: clinical testing. Allele origin: germline. Affected: yes.
Comment: This variant is considered likely benign or benign based on one or more of the following criteria: it is a conservative change, it occurs at a poorly conserved position in the protein, it is predicted to be benign by multiple in silico algorithms, and/or has population frequency not consistent with disease.

NM_001276345.2(TNNT2):c.609+15C>T

Gene: TNNT2 (troponin T2, cardiac type; minus strand). Cytogenetic location: 1q32.1.
Variant type: single nucleotide variant.
Coding change: c.609+15C>T on transcript NM_001276345.2 (MANE Select); 15 bases into the intron after coding-DNA position 609, C replaced by T.
Molecular consequence: intron variant.
Genome position (GRCh38, 1-based): chr1:201,362,371, G>A on the plus strand (C>T on the coding strand, the complement: TNNT2 is on the minus strand). VCF-style: chr1-201362371-G-A. GRCh37 (hg19) VCF-style: chr1-201331499-G-A.
Other names: c.561+15C>T (NM_001001432.3); c.571-349C>T (NM_001001431.3); c.579+15C>T (NM_001001430.3, NM_001276347.2); c.481-349C>T (NM_001276346.2); c.601-349C>T (NM_000364.4).
Identifiers: ClinVar variation 389960 (VCV000389960.1), dbSNP rs1057523597, ClinGen allele CA16603549.
Genomic context (GRCh38, chr1:201,362,371, plus strand): 5'-GCAAGGCGCCTTCCCCTCCCAGGGAGCTCTCCAAAACTATGGGGAGGAAGAAGGCTTGAG[G>A]TTTTTGGTACCCACCTGGGCCTGCTAAACCGGGAAACCATGAGAGAGAGGCCCATAGAAA-3'